The following is an entry in ClinVar:

NM_032043.3(BRIP1):c.3528delinsCTTT (p.Ile1176_Lys1177insPhe)

Gene: BRIP1 (BRCA1 interacting DNA helicase 1; minus strand). Cytogenetic location: 17q23.2.
Variant type: Indel.
Coding change: c.3528delinsCTTT on transcript NM_032043.3 (MANE Select); coding-DNA position 3528, A replaced by CTTT.
Protein change: p.Ile1176_Lys1177insPhe.
Molecular consequence: inframe insertion.
Genome position (GRCh38, 1-based): chr17:61,683,518, T replaced by AAAG on the plus strand (A replaced by CTTT on the coding strand, the reverse complement: BRIP1 is on the minus strand). VCF-style: chr17-61683518-T-AAAG. GRCh37 (hg19) VCF-style: chr17-59760879-T-AAAG.
Other names: c.3528delAinsCTTT (NM_032043.2).
Identifiers: ClinVar variation 489835 (VCV000489835.5), dbSNP rs1555572545, ClinGen allele CA658684146.
Genomic context (GRCh38, chr17:61,683,518, plus strand): 5'-ATTCAACTTTGTATCTATGCAATCCTCAGCTTTCACTTCTCTGGCTGAATCTACTTCTTT[T>AAAG]ATAGTTCTAATTTCAAAAAGGTCTTTAGCTAAAATGCAATCTGAATTGTTAGCCAATCTA-3'

ClinVar aggregate classification (germline): Uncertain significance. Review status: criteria provided, multiple submitters, no conflicts (2 of 4 stars). 2 submissions from 2 submitters: Uncertain significance (2). Last evaluated 2023-10-04.

Conditions:
Hereditary cancer-predisposing syndrome. Also called: Hereditary Cancer Syndrome; Neoplastic Syndromes, Hereditary; Tumor predisposition; Hereditary neoplastic syndrome. Identifiers: Orphanet 140162, MedGen C0027672, MeSH D009386, MONDO:0015356.

Submissions (2):

Ambry Genetics
Classification: Uncertain significance for Hereditary cancer-predisposing syndrome. Last evaluated: 2023-10-04. Review status: criteria provided, single submitter. Criteria: Ambry Variant Classification Scheme 2023. Collection method: clinical testing. Allele origin: germline.
Comment: The c.3528delAinsCTTT variant, located in coding exon 19 of the BRIP1 gene, results from an in-frame deletion of A and insertion of CTTT at nucleotide positions 3528 to 3528. This results in the insertion of a phenylalanine residue at codon 1176. This amino acid region is not well conserved in available vertebrate species. In addition, this alteration is predicted to be neutral by in silico analysis (Choi Y et al. PLoS ONE. 2012; 7(10):e46688). Since supporting evidence is limited at this time, the clinical significance of this alteration remains unclear.

Color Diagnostics, LLC DBA Color Health
Classification: Uncertain significance for Hereditary cancer-predisposing syndrome. Last evaluated: 2019-05-02. Review status: criteria provided, single submitter. Criteria: ACMG Guidelines, 2015. Collection method: clinical testing. Allele origin: germline.